The following is an entry in ClinVar:

ClinVar aggregate classification (germline): Pathogenic. Review status: criteria provided, single submitter (1 of 4 stars). 2 submissions from 2 submitters: Pathogenic (1). 1 of the submissions does not count toward it. Last evaluated 2025-02-09.

Conditions:
Neurofibromatosis, type 1 (NF1). Also called: Peripheral type neurofibromatosis; Neurofibromatosis, type I; VON RECKLINGHAUSEN DISEASE; NEUROFIBROMATOSIS, TYPE I, SOMATIC. Identifiers: Orphanet 636, MedGen C0027831, MONDO:0018975, OMIM 162200. Disease mechanism: loss of function.

Submissions (2):

Labcorp Genetics (formerly Invitae), Labcorp
Classification: Pathogenic for Neurofibromatosis, type 1. Last evaluated: 2025-02-09. Review status: criteria provided, single submitter. Criteria: Invitae Variant Classification Sherloc (09022015). Collection method: clinical testing. Allele origin: germline.
Comment: This sequence change falls in intron 33 of the NF1 gene. It does not directly change the encoded amino acid sequence of the NF1 protein. RNA analysis indicates that this variant induces altered splicing and may result in an absent or altered protein product. This variant is not present in population databases (gnomAD no frequency). This variant has been observed in individual(s) with clinical features of neurofibromatosis type 1 (PMID: 30308447). This variant is also known as c.4578-9T>A. ClinVar contains an entry for this variant (Variation ID: 1048689). Studies have shown that this variant results in activation of a cryptic splice site, and produces a non-functional protein and/or introduces a premature termination codon (internal data). For these reasons, this variant has been classified as Pathogenic.

Laboratory of Medical Genetics, National & Kapodistrian University of Athens
Classification: Uncertain significance for Neurofibromatosis, type 1. Last evaluated: 2018-01-01. Review status: no assertion criteria provided. Collection method: clinical testing. Allele origin: inherited. Affected: yes. Not counted in ClinVar's aggregate classification.

Literature cited by the submitters: PubMed 30308447 (cited by Labcorp Genetics (formerly Invitae), Labcorp).

NM_001042492.3(NF1):c.4578-9T>A

Gene: NF1 (neurofibromin 1; plus strand). Cytogenetic location: 17q11.2.
Variant type: single nucleotide variant.
Coding change: c.4578-9T>A on transcript NM_001042492.3 (MANE Select); 9 bases into the intron before coding-DNA position 4578, T replaced by A.
Molecular consequence: intron variant.
Genome position (GRCh38, 1-based): chr17:31,261,702, T>A. VCF-style: chr17-31261702-T-A. GRCh37 (hg19) VCF-style: chr17-29588720-T-A.
Other names: c.4515-9T>A (NM_000267.4).
Identifiers: ClinVar variation 1048689 (VCV001048689.5), dbSNP rs2067688959, ClinGen allele CA2255577375.